The following is an entry in ClinVar:

NM_000540.3(RYR1):c.14159T>C (p.Phe4720Ser)

Gene: RYR1 (ryanodine receptor 1; plus strand). Cytogenetic location: 19q13.2.
Variant type: single nucleotide variant.
Coding change: c.14159T>C on transcript NM_000540.3 (MANE Select); coding-DNA position 14159, T replaced by C.
Protein change: p.Phe4720Ser; replaces phenylalanine 4720 with serine.
Molecular consequence: missense variant.
Genome position (GRCh38, 1-based): chr19:38,575,948, T>C. VCF-style: chr19-38575948-T-C. GRCh37 (hg19) VCF-style: chr19-39066588-T-C.
Other names: c.14144T>C, p.Phe4715Ser (NM_001042723.2); short protein forms F4715S, F4720S.
Identifiers: ClinVar variation 1375544 (VCV001375544.8), dbSNP rs2145882148, ClinGen allele CA405683343.
Genomic context (GRCh38, chr19:38,575,948, plus strand): 5'-ATACTCACGCTTTCTCTCTCTCTCTCTGCAGGTCTTTCCCTAGCAACTACTGGGACAAGT[T>C]TGTCAAGCGCAAGGTGAGAGGACATGGATGCCCTGGGTCCTGGATTGGGTCCCTGCCTGC-3'
Protein context (NP_000531.2, residues 4710-4730): PSFPSNYWDK[Phe4720Ser]VKRKVLDKHG

ClinVar aggregate classification (germline): Uncertain significance (1 of 4 stars; one submission).

Conditions:
RYR1-related disorder. Also called: RYR1-related condition; RYR1-related disorders. Identifiers: MedGen CN239331.

Allele frequency attached by ClinVar (database versions not stated): gnomAD exomes below 0.00001.
gnomAD v4.1: 1 of 1,614,218 alleles (0.000062%); highest among the groups gnomAD compares: Non-Finnish European, 0.000085%; no homozygotes.

Submission:

Labcorp Genetics (formerly Invitae), Labcorp
Classification: Uncertain significance for RYR1-related disorder. Last evaluated: 2024-08-13. Review status: criteria provided, single submitter. Criteria: Invitae Variant Classification Sherloc (09022015). Collection method: clinical testing. Allele origin: germline.
Comment: This sequence change replaces phenylalanine, which is neutral and non-polar, with serine, which is neutral and polar, at codon 4720 of the RYR1 protein (p.Phe4720Ser). This variant is not present in population databases (gnomAD no frequency). This variant has not been reported in the literature in individuals affected with RYR1-related conditions. ClinVar contains an entry for this variant (Variation ID: 1375544). Advanced modeling of protein sequence and biophysical properties (such as structural, functional, and spatial information, amino acid conservation, physicochemical variation, residue mobility, and thermodynamic stability) performed at Invitae indicates that this missense variant is expected to disrupt RYR1 protein function with a positive predictive value of 95%. In summary, the available evidence is currently insufficient to determine the role of this variant in disease. Therefore, it has been classified as a Variant of Uncertain Significance.